The following is an entry in ClinVar:

NC_000023.11:g.18650485T>A

Genes: CDKL5 (cyclin dependent kinase like 5; plus strand), RS1 (retinoschisin 1; minus strand). Cytogenetic location: Xp22.13.
Variant type: single nucleotide variant.
Molecular consequence: intron variant (on NM_000330.4). On other transcripts: missense variant (2).
Genome position: GRCh38 VCF-style: chrX-18650485-T-A. GRCh37 (hg19) VCF-style: chrX-18668605-T-A.
Other names: c.2873T>A, p.Ile958Asn (NM_001037343.2, NM_003159.3); c.185-3153A>T (NM_000330.4); short protein forms I958N.
Identifiers: ClinVar variation 1520097 (VCV001520097.7), dbSNP rs2147197777, ClinGen allele CA412373392.

ClinVar aggregate classification (germline): Uncertain significance (1 of 4 stars; one submission).

Conditions:
Developmental and epileptic encephalopathy, 2 (DEE2). Also called: INFANTILE SPASM SYNDROME, X-LINKED 2; CDKL5 deficiency disorder. Identifiers: Orphanet 1934, Orphanet 3451, Orphanet 505652, MedGen C4750718, MONDO:0010396, OMIM 300672.
Angelman syndrome-like. Identifiers: MedGen CN128785.

Submission:

Labcorp Genetics (formerly Invitae), Labcorp
Classification: Uncertain significance for Developmental and epileptic encephalopathy, 2; Angelman syndrome-like. Last evaluated: 2021-09-18. Review status: criteria provided, single submitter. Criteria: Invitae Variant Classification Sherloc (09022015). Collection method: clinical testing. Allele origin: germline.
Comment: Advanced modeling of protein sequence and biophysical properties (such as structural, functional, and spatial information, amino acid conservation, physicochemical variation, residue mobility, and thermodynamic stability) performed at Invitae indicates that this missense variant is not expected to disrupt CDKL5 protein function. This variant has not been reported in the literature in individuals affected with CDKL5-related conditions. In summary, the available evidence is currently insufficient to determine the role of this variant in disease. Therefore, it has been classified as a Variant of Uncertain Significance. This variant is not present in population databases (ExAC no frequency). This sequence change replaces isoleucine with asparagine at codon 958 of the CDKL5 protein (p.Ile958Asn). The isoleucine residue is weakly conserved and there is a large physicochemical difference between isoleucine and asparagine.